The following is an entry in ClinVar:

NM_001256545.2(MEGF10):c.2968C>T (p.Leu990Phe)

Gene: MEGF10 (multiple EGF like domains 10; plus strand). Cytogenetic location: 5q23.2.
Variant type: single nucleotide variant.
Coding change: c.2968C>T on transcript NM_001256545.2 (MANE Select); coding-DNA position 2968, C replaced by T.
Protein change: p.Leu990Phe; replaces leucine 990 with phenylalanine.
Molecular consequence: missense variant.
Genome position (GRCh38, 1-based): chr5:127,449,210, C>T. VCF-style: chr5-127449210-C-T. GRCh37 (hg19) VCF-style: chr5-126784902-C-T.
Other names: c.2968C>T, p.Leu990Phe (NM_032446.3); short protein forms L990F.
Identifiers: ClinVar variation 1417168 (VCV001417168.5), dbSNP rs750829562, ClinGen allele CA3392077.

ClinVar aggregate classification (germline): Uncertain significance (1 of 4 stars; one submission).

Conditions:
MEGF10-related myopathy (CMYO10A). Also called: Congenital myopathy 10A, severe variant. Identifiers: Orphanet 439212, MedGen C3280679, MONDO:0013731, OMIM 614399.

Allele frequency attached by ClinVar (database versions not stated): gnomAD exomes below 0.00001; ExAC 0.00001; TOPMed 0.00002; gnomAD 0.00003 and 0.00004.
gnomAD v4.1: 7 of 1,613,206 alleles (0.00043%); highest among the groups gnomAD compares: African/African-American, 0.0093%; no homozygotes.

Submission:

Labcorp Genetics (formerly Invitae), Labcorp
Classification: Uncertain significance for MEGF10-related myopathy. Last evaluated: 2022-09-01. Review status: criteria provided, single submitter. Criteria: Invitae Variant Classification Sherloc (09022015). Collection method: clinical testing. Allele origin: germline.
Comment: This sequence change replaces leucine, which is neutral and non-polar, with phenylalanine, which is neutral and non-polar, at codon 990 of the MEGF10 protein (p.Leu990Phe). This variant is present in population databases (rs750829562, gnomAD 0.008%). This variant has not been reported in the literature in individuals affected with MEGF10-related conditions. ClinVar contains an entry for this variant (Variation ID: 1417168). Algorithms developed to predict the effect of missense changes on protein structure and function (SIFT, PolyPhen-2, Align-GVGD) all suggest that this variant is likely to be tolerated. In summary, the available evidence is currently insufficient to determine the role of this variant in disease. Therefore, it has been classified as a Variant of Uncertain Significance.